The following is an entry in ClinVar:

ClinVar aggregate classification (germline): Conflicting classifications of pathogenicity. Review status: criteria provided, conflicting classifications (1 of 4 stars). 9 submissions from 9 submitters: Uncertain significance (1); Likely benign (7). 1 of the submissions does not count toward it. Last evaluated 2026-03-10.

Conditions:
Autosomal recessive nonsyndromic hearing loss 4 (DFNB4). Also called: Enlarged vestibular aqueduct, digenic; DEAFNESS, AUTOSOMAL RECESSIVE 4, WITH ENLARGED VESTIBULAR AQUEDUCT, DIGENIC; NEUROSENSORY NONSYNDROMIC RECESSIVE DEAFNESS 4; Deafness, autosomal recessive 4, with enlarged vestibular aqueduct; Deafness, autosomal recessive 4; FOXI1-Related Pendred Syndrome. Identifiers: Orphanet 90636, MedGen C3538946, MONDO:0010933, OMIM 600791.
FOXI1-related disorder. Also called: FOXI1-related condition.

Allele frequency attached by ClinVar (database versions not stated): ESP Exome Variant Server 0.00500; gnomAD exomes 0.00682 and 0.00375; 1000 Genomes Project 30x 0.00156; 1000 Genomes Project 0.00160; gnomAD 0.00366 and 0.00376; TOPMed 0.00378; ExAC 0.00419.
gnomAD v4.1: 10,398 of 1,614,080 alleles (0.64%); highest among the groups gnomAD compares: Non-Finnish European, 0.83%; 64 homozygotes.

Submissions (9):

Women's Health and Genetics/Laboratory Corporation of America, LabCorp
Classification: Likely benign. Last evaluated: 2026-03-10. Review status: criteria provided, single submitter. Criteria: LabCorp Variant Classification Summary - May 2015. Collection method: clinical testing. Allele origin: germline.
Comment: Variant summary: FOXI1 c.677C>T (p.Thr226Ile) results in a non-conservative amino acid change in the encoded protein sequence. Algorithms developed to predict the effect of missense changes on protein structure and function are either unavailable or do not agree on the potential impact of this missense change. The variant allele was found at a frequency of 0.0065 in 1607106 control chromosomes, predominantly at a frequency of 0.0083 within the Non-Finnish European subpopulation in the gnomAD database, including 61 homozygotes. The observed variant frequency within Non-Finnish European control individuals in the gnomAD database exceeds the estimated maximal expected allele frequency for disease-causing variants in FOXI1. The variant, c.677C>T, has been observed in multiple heterozygotes in a cohort of patients affected with hearing loss, however it was also found in several carriers from a cohort with unrelated phenotypes (Smits_2021) These report(s) do not provide unequivocal conclusions about association of the variant with Autosomal Recessive Nonsyndromic Hearing Loss 4. The following publication has been ascertained in the context of this evaluation (PMID: 34410491). To our knowledge, no experimental evidence demonstrating an impact on protein function has been reported. ClinVar contains an entry for this variant (Variation ID: 497649). Based on the evidence outlined above, the variant was classified as likely benign.

Labcorp Genetics (formerly Invitae), Labcorp
Classification: Likely benign. Last evaluated: 2026-01-26. Review status: criteria provided, single submitter. Criteria: Invitae Variant Classification Sherloc (09022015). Collection method: clinical testing. Allele origin: germline.

Mayo Clinic Laboratories, Mayo Clinic
Classification: Likely benign. Last evaluated: 2025-12-07. Review status: criteria provided, single submitter. Criteria: ACMG Guidelines, 2015. Collection method: clinical testing. Allele origin: germline. Observed: 3 variant alleles.
Comment: BS1

CeGaT Center for Human Genetics Tuebingen
Classification: Likely benign. Last evaluated: 2025-05-01. Review status: criteria provided, single submitter. Criteria: CeGaT Center For Human Genetics Tuebingen Variant Classification Criteria Version 2. Collection method: clinical testing. Allele origin: germline. Affected: yes. Observed: 3 variant alleles.
Comment: FOXI1: BS2

GeneDx
Classification: Likely benign. Last evaluated: 2021-02-25. Review status: criteria provided, single submitter. Criteria: GeneDx Variant Classification Process June 2021. Collection method: clinical testing. Allele origin: germline. Affected: yes.
Comment: This variant is associated with the following publications: (PMID: 24860705)

Athena Diagnostics
Classification: Likely benign. Last evaluated: 2018-10-12. Review status: criteria provided, single submitter. Criteria: Athena Diagnostics Criteria. Collection method: clinical testing. Allele origin: germline.

Illumina Laboratory Services, Illumina
Classification: Uncertain significance for Autosomal recessive nonsyndromic hearing loss 4. Last evaluated: 2017-04-27. Review status: criteria provided, single submitter. Criteria: ICSL Variant Classification Criteria 13 December 2019. Collection method: clinical testing. Allele origin: germline.

Eurofins Ntd Llc (ga)
Classification: Likely benign. Last evaluated: 2016-10-14. Review status: criteria provided, single submitter. Criteria: EGL Classification Definitions 2015. Collection method: clinical testing. Allele origin: germline. Observed: 1 variant allele, 1 heterozygote.

PreventionGenetics, part of Exact Sciences
Classification: Benign for FOXI1-related condition. Last evaluated: 2019-06-12. Review status: no assertion criteria provided. Collection method: clinical testing. Allele origin: germline. Not counted in ClinVar's aggregate classification.
Comment: This variant is classified as benign based on ACMG/AMP sequence variant interpretation guidelines (Richards et al. 2015 PMID: 25741868, with internal and published modifications).

Literature cited by the submitters: PubMed 34410491 (cited by Women's Health and Genetics/Laboratory Corporation of America, LabCorp and Mayo Clinic Laboratories, Mayo Clinic); PubMed 24860705 (cited by Athena Diagnostics).

NM_012188.5(FOXI1):c.677C>T (p.Thr226Ile)

Gene: FOXI1 (forkhead box I1; plus strand). Cytogenetic location: 5q35.1.
Variant type: single nucleotide variant.
Coding change: c.677C>T on transcript NM_012188.5 (MANE Select); coding-DNA position 677, C replaced by T.
Protein change: p.Thr226Ile; replaces threonine 226 with isoleucine.
Molecular consequence: missense variant. On other transcripts: intron variant (1).
Genome position (GRCh38, 1-based): chr5:170,108,151, C>T. VCF-style: chr5-170108151-C-T. GRCh37 (hg19) VCF-style: chr5-169535155-C-T.
Other names: p.Thr226Ile; c.575-183C>T (NM_144769.4); short protein forms T226I.
Identifiers: ClinVar variation 497649 (VCV000497649.54), dbSNP rs115399307, ClinGen allele CA3555078.